The following is an entry in ClinVar:

NM_000059.4(BRCA2):c.3068dup (p.Asn1023fs)

Gene: BRCA2 (BRCA2 DNA repair associated; plus strand). Cytogenetic location: 13q13.1.
Variant type: Duplication.
Coding change: c.3068dup on transcript NM_000059.4 (MANE Select); coding-DNA position 3068, one base duplicated (A; older notation c.3068dupA).
Protein change: p.Asn1023fs; shifts the reading frame from asparagine 1023.
Molecular consequence: frameshift variant.
Genome position (GRCh38, 1-based): chr13:32,337,423, A duplicated; the last of 2 consecutive A bases (chr13:32,337,422-32,337,423); duplicating either gives the same sequence. VCF-style (leftmost placement, unchanged base first): chr13-32337421-T-TA. GRCh37 (hg19) VCF-style: chr13-32911558-T-TA.
Other names: 3295insA; c.3068dupA (NM_000059.3); short protein forms N1023fs.
Identifiers: ClinVar variation 51391 (VCV000051391.8), dbSNP rs80359368, ClinGen allele CA017127.

ClinVar aggregate classification (germline): Pathogenic. Review status: reviewed by expert panel (3 of 4 stars). 7 submissions from 7 submitters: Pathogenic (1). 6 of the submissions do not count toward it. Last evaluated 2016-09-08.

Conditions:
Hereditary breast ovarian cancer syndrome. Also called: Hereditary breast and ovarian cancer syndrome; Hereditary breast and ovarian cancer; Hereditary breast and ovarian cancer syndrome (HBOC); Breast and ovarian cancer; Hereditary breast and/or ovarian cancer syndrome; BRCA1- and BRCA2-Associated Hereditary Breast and Ovarian Cancer. Identifiers: Orphanet 145, MedGen C0677776, MeSH D061325, MONDO:0003582. Disease mechanism: loss of function.
Breast-ovarian cancer, familial, susceptibility to, 2 (BROVCA2). Also called: BRCA2 Hereditary Breast and Ovarian Cancer. Identifiers: Orphanet 145, MedGen C2675520, MONDO:0012933, OMIM 612555. Disease mechanism: loss of function.

Submissions (7):

Evidence-based Network for the Interpretation of Germline Mutant Alleles (ENIGMA)
Classification: Pathogenic for Breast-ovarian cancer, familial, susceptibility to, 2. Last evaluated: 2016-09-08. Review status: reviewed by expert panel. Criteria: ENIGMA BRCA1/2 Classification Criteria (2015). Collection method: curation. Allele origin: germline.
Comment: Variant allele predicted to encode a truncated non-functional protein.

Labcorp Genetics (formerly Invitae), Labcorp
Classification: Pathogenic for Hereditary breast ovarian cancer syndrome. Last evaluated: 2024-09-18. Review status: criteria provided, single submitter. Criteria: Invitae Variant Classification Sherloc (09022015). Collection method: clinical testing. Allele origin: germline. Not counted in ClinVar's aggregate classification.
Comment: This sequence change creates a premature translational stop signal (p.Asn1023Lysfs*3) in the BRCA2 gene. It is expected to result in an absent or disrupted protein product. Loss-of-function variants in BRCA2 are known to be pathogenic (PMID: 20104584). This variant is not present in population databases (gnomAD no frequency). This premature translational stop signal has been observed in individual(s) with breast cancer (PMID: 9585617). This variant is also known as 3295insA. ClinVar contains an entry for this variant (Variation ID: 51391). For these reasons, this variant has been classified as Pathogenic.

Myriad Genetics, Inc.
Classification: Pathogenic for Breast-ovarian cancer, familial, susceptibility to, 2. Last evaluated: 2023-07-27. Review status: criteria provided, single submitter. Criteria: Myriad Autosomal Dominant, Autosomal Recessive and X-Linked Classification Criteria (2023). Collection method: clinical testing. Allele origin: unknown. Not counted in ClinVar's aggregate classification.
Comment: This variant is considered pathogenic. This variant creates a frameshift predicted to result in premature protein truncation.

Consortium of Investigators of Modifiers of BRCA1/2 (CIMBA), c/o University of Cambridge
Classification: Pathogenic for Breast-ovarian cancer, familial, susceptibility to, 2. Last evaluated: 2015-10-02. Review status: criteria provided, single submitter. Criteria: CIMBA Mutation Classification guidelines May 2016. Collection method: clinical testing. Allele origin: germline. Not counted in ClinVar's aggregate classification.

Research Molecular Genetics Laboratory, Women's College Hospital, University of Toronto
Classification: Pathogenic for Hereditary breast ovarian cancer syndrome. Last evaluated: 2014-01-31. Review status: no assertion criteria provided. Collection method: research. Allele origin: germline. Affected: yes. Study: The Canadian Open Genetics Repository (COGR). Not counted in ClinVar's aggregate classification.

Breast Cancer Information Core (BIC) (BRCA2)
Classification: Pathogenic for Breast-ovarian cancer, familial 2. Last evaluated: 2002-05-29. Review status: no assertion criteria provided. Collection method: clinical testing. Allele origin: germline. Affected: yes. Observed: 2 variant alleles. Not counted in ClinVar's aggregate classification.

OMIM
Classification: Pathogenic for BREAST-OVARIAN CANCER, FAMILIAL, SUSCEPTIBILITY TO, 2. Last evaluated: 1998-06-01. Review status: no assertion criteria provided. Collection method: literature only. Allele origin: germline. Not counted in ClinVar's aggregate classification.

Literature cited by the submitters: PubMed 20104584 (cited by Labcorp Genetics (formerly Invitae), Labcorp); PubMed 9585617 (cited by Labcorp Genetics (formerly Invitae), Labcorp and OMIM).